The following is an entry in ClinVar:

ClinVar aggregate classification (germline): Benign (1 of 4 stars; one submission).

Conditions:
Tuberous sclerosis 1 (TSC1). Identifiers: Orphanet 805, MedGen C1854465, MONDO:0008612, OMIM 191100.

gnomAD v4.1: 2 of 1,614,228 alleles (0.00012%); highest among the groups gnomAD compares: Middle Eastern, 0.016%; no homozygotes.

Submission:

Myriad Genetics, Inc.
Classification: Benign for Tuberous sclerosis 1. Last evaluated: 2025-04-30. Review status: criteria provided, single submitter. Criteria: Myriad Autosomal Dominant, Autosomal Recessive and X-Linked Classification Criteria (2023). Collection method: clinical testing. Allele origin: unknown.
Comment: This variant is considered benign. This variant occurs in the non-coding 3' untranslated region of the gene, and is not expected to impact protein function.

NM_000368.5(TSC1):c.*7A>G

Gene: TSC1 (TSC complex subunit 1; minus strand). Cytogenetic location: 9q34.13.
Variant type: single nucleotide variant.
Coding change: c.*7A>G on transcript NM_000368.5 (MANE Select); 7 bases downstream of the stop codon, A replaced by G.
Molecular consequence: 3 prime UTR variant. On other transcripts: non-coding transcript variant (5).
Genome position (GRCh38, 1-based): chr9:132,896,228, T>C on the plus strand (A>G on the coding strand, the complement: TSC1 is on the minus strand). VCF-style: chr9-132896228-T-C. GRCh37 (hg19) VCF-style: chr9-135771615-T-C.
Other names: c.*7A>G (NM_001406609.1, NM_001406610.1, NM_001406611.1 and 39 more transcripts).
Identifiers: ClinVar variation 4071079 (VCV004071079.1).
Genomic context (GRCh38, chr9:132,896,228, plus strand): 5'-AACGTGCATTCACACCTCCTGTTCTGTGCCAACAATATGCAAGTTAACACTGATTGACCA[T>C]CATTCCTTAGCTGTGTTCATGATGAGTCTCATTGTAGTCCATGATATGTAGCTGTCCAAC-3'